The following is an entry in ClinVar:

NM_003319.4(TTN):c.80003_80028+4del

Genes: TTN (titin; minus strand), TTN-AS1 (TTN antisense RNA 1; plus strand). Cytogenetic location: 2q31.2.
Variant type: Deletion.
Coding change: c.80003_80028+4del on transcript NM_003319.4; coding-DNA position 80003 through 4 bases into the intron after coding-DNA position 80028, 30 bases deleted (TCGAATGGTTTAAAAACAACCTGCCAGTAA).
Genome position (GRCh38, 1-based): chr2:178,528,524-178,528,553, TTACTGGCAGGTTGTTTTTAAACCATTCGA deleted on the plus strand (TCGAATGGTTTAAAAACAACCTGCCAGTAA on the coding strand, the reverse complement: TTN is on the minus strand); deleting any 30 consecutive bases within chr2:178,528,524-178,528,555 gives the same sequence; the c. name uses the placement nearest the transcript's 3' end. VCF-style (leftmost placement, unchanged base first): chr2-178528523-CTTACTGGCAGGTTGTTTTTAAACCATTCGA-C. GRCh37 (hg19) VCF-style: chr2-179393250-CTTACTGGCAGGTTGTTTTTAAACCATTCGA-C.
Other names: c.80579_80604+4del (NM_133437.4); c.80378_80403+4del (NM_133432.3); c.99494_99519+4del (NM_133378.4); c.102275_102300+4del (NM_001256850.1); c.107198_107223+4del (NM_001267550.2); c.80003_80028+4del30 (NM_003319.4).
Identifiers: ClinVar variation 505097 (VCV000505097.10), dbSNP rs1553479603, ClinGen allele CA658795972.

ClinVar aggregate classification (germline): Likely pathogenic. Review status: criteria provided, multiple submitters, no conflicts (2 of 4 stars). 4 submissions from 4 submitters: Likely pathogenic (4). Last evaluated 2025-06-27.

Conditions:
Cardiovascular phenotype. Identifiers: MedGen CN230736.
Autosomal recessive limb-girdle muscular dystrophy type 2J (LGMDR10). Also called: MUSCULAR DYSTROPHY, LIMB-GIRDLE, AUTOSOMAL RECESSIVE 10; Limb-girdle muscular dystrophy, type 2J. Identifiers: Orphanet 140922, MedGen C1837342, MONDO:0012127, OMIM 608807.
Dilated cardiomyopathy 1G (CMD1G). Identifiers: Orphanet 154, MedGen C1858763, MONDO:0011400, OMIM 604145.
Primary dilated cardiomyopathy (DCM). Also called: Dilated Cardiomyopathy. Identifiers: Orphanet 217604, MedGen C0007193, MeSH D002311, MONDO:0005021, HP:0001644. Inheritance: Various modes of inheritance.

Submissions (4):

Victorian Clinical Genetics Services, Murdoch Childrens Research Institute
Classification: Likely pathogenic for Dilated cardiomyopathy 1G. Last evaluated: 2025-06-27. Review status: criteria provided, single submitter. Criteria: ACMG Guidelines, 2015. Collection method: clinical testing. Allele origin: germline.
Comment: This variant is classified as Likely pathogenic. Evidence in support of pathogenic classification: Non-canonical splice site variant without proven consequence on splicing (no functional evidence available). This deletion encompasses the donor splice site and part of exon 360; however, the canonical splice site is not disrupted; Variant is present in gnomAD <0.01 (v4: 3 heterozygote(s), 0 homozygote(s)); This variant has moderate previous evidence of pathogenicity in unrelated individuals. This variant has been classified as likely pathogenic by clinical laboratories in ClinVar, and reported in the literature in individuals with dilated cardiomyopathy (PMIDs: 32746448, 37652022); Abnormal splicing is predicted by in silico tool and affected nucleotides are highly conserved. Additional information: This variant is heterozygous; This gene is associated with both recessive and dominant disease (OMIM); No published evidence of segregation with disease has been identified for this variant; No published functional evidence has been identified for this variant; Another non-canonical splice variant comparable to the one identified in this case has inconclusive previous evidence for pathogenicity. The c.107223+3A>C variant has been classified as a VUS by a clinical laboratory in ClinVar; Variant is located in the annotated M-band and the exon has a PSI score of 100% (PMID: 25589632); Loss of function is a known mechanism of disease in this gene. In addition, dominant negative is also a suggested mechanism. (PMID: 25589632); The condition associated with this gene has incomplete penetrance. Variants in this gene that result in a premature termination codon (PTC) are known to have reduced penetrance in DCM (PMID: 25589632); Inheritance information for this variant is not currently available in this individual.

Ambry Genetics
Classification: Likely pathogenic for Cardiovascular phenotype. Last evaluated: 2024-12-02. Review status: criteria provided, single submitter. Criteria: Ambry Variant Classification Scheme 2023. Collection method: clinical testing. Allele origin: germline.
Comment: The c.80003_80028+4del30 variant results from a deletion of 30 nucleotides between positions c.80003 and c.80028+4 and involves the canonical splice donor site after coding exon 187 of the TTN gene. This exon is located in the M-band region of the N2-B isoform of the titin protein and is constitutively expressed in TTN transcripts (percent spliced in or PSI 100%). This variant is considered to be rare based on population cohorts in the Genome Aggregation Database (gnomAD). The canonical splice donor site is highly conserved in available vertebrate species. In silico splice site analysis predicts that this alteration will weaken the native splice donor site. This alteration is expected to result in loss of function by premature protein truncation or nonsense-mediated mRNA decay. While truncating variants in TTN are present in 1-3% of the general population, truncating variants in the M-band have been reported in association with autosomal recessive titinopathies, primarily presenting with skeletal myopathy phenotypes (Ceyhan-Birsoy O et al. Neurology. 2013 Oct 1;81(14):1205-14; De Cid R et al. Neurology. 2015;85(24):2126-35). In addition, regardless of their position, TTN truncating variants encoded in constitutive exons (PSI >90%) have been found to be significantly associated with dilated cardiomyopathy (DCM), though truncating variants in the A-band are the most common cause of DCM (Herman DS et al. N. Engl. J. Med., 2012 Feb;366:619-28; Roberts AM et al. Sci Transl Med, 2015 Jan;7:270ra6; Schafer S et al. Nat. Genet., 2017 01;49:46-53). Based on the majority of available evidence to date, this variant is likely to be pathogenic in association with autosomal recessive titinopathy; however, the clinical significance of this alteration with respect to cardiomyopathy remains unclear.

Labcorp Genetics (formerly Invitae), Labcorp
Classification: Likely pathogenic for Dilated cardiomyopathy 1G; Autosomal recessive limb-girdle muscular dystrophy type 2J. Last evaluated: 2024-07-30. Review status: criteria provided, single submitter. Criteria: Invitae Variant Classification Sherloc (09022015). Collection method: clinical testing. Allele origin: germline.
Comment: This variant results in the deletion of part of exon 360 (c.107198_107223+4del) of the TTN gene. It is expected to disrupt RNA splicing and likely results in a truncated or disrupted TTN protein. This variant is not present in population databases (gnomAD no frequency). This variant has not been reported in the literature in individuals affected with TTN-related conditions. ClinVar contains an entry for this variant (Variation ID: 505097). This variant is located in the M band of TTN (PMID: 25589632). Truncating variants in this region have been previously reported in individuals affected with autosomal recessive myopathy and muscular dystrophy (PMID: 18948003, 23975875, 24395473). Truncating variants in this region have also been identified in individuals affected with autosomal dominant dilated cardiomyopathy and/or cardio-related conditions (PMID: 27869827, 32964742, Invitae internal data). In summary, the currently available evidence indicates that the variant is pathogenic, but additional data are needed to prove that conclusively. Therefore, this variant has been classified as Likely Pathogenic.

Laboratory for Molecular Medicine, Mass General Brigham Personalized Medicine
Classification: Likely pathogenic for Primary dilated cardiomyopathy. Last evaluated: 2024-01-31. Review status: criteria provided, single submitter. Criteria: ACMG Guidelines, 2015. Collection method: clinical testing. Allele origin: germline.
Comment: It has also been identified in 0.0003% (3/1172860) of European chromosomes in gnomAD (v4.0.0). This variant is a 30 base-pair deletion that spans the canonical +1 and +2 positions in the 5' splice site consensus sequence of intron 309 and is therefore expected to disrupt splicing and lead to a truncated or absent protein. TTN truncating variants encoded in constitutive exons (PSI >95%) have been found to be significantly associated with DCM regardless of their position in titin (Roberts 2015 PMID:25589632, Schafer 2017 PMID:27869827). The c.99494_99519+4del variant is located in such a highly expressed exon in the M band. In summary, although additional studies are required to fully establish its clinical significance, this variant meets criteria to be classified as likely pathogenic for autosomal dominant DCM. ACMG/AMP Criteria applied: PVS1_Strong, PM2_Supporting.

Literature cited by the submitters: PubMed 32746448 (cited by Victorian Clinical Genetics Services, Murdoch Childrens Research Institute); PubMed 25589632 (cited by Victorian Clinical Genetics Services, Murdoch Childrens Research Institute and Labcorp Genetics (formerly Invitae), Labcorp); PubMed 37652022 (cited by Victorian Clinical Genetics Services, Murdoch Childrens Research Institute); PubMed 18948003 (cited by Labcorp Genetics (formerly Invitae), Labcorp); PubMed 23975875 (cited by Labcorp Genetics (formerly Invitae), Labcorp); PubMed 24395473 (cited by Labcorp Genetics (formerly Invitae), Labcorp); PubMed 27869827 (cited by Labcorp Genetics (formerly Invitae), Labcorp); PubMed 32964742 (cited by Labcorp Genetics (formerly Invitae), Labcorp).